The following is an entry in ClinVar:

ClinVar aggregate classification (germline): Uncertain significance. Review status: criteria provided, multiple submitters, no conflicts (2 of 4 stars). 2 submissions from 2 submitters: Uncertain significance (2). Last evaluated 2026-01-05.

Conditions:
Hereditary cancer-predisposing syndrome. Also called: Hereditary neoplastic syndrome; Tumor predisposition; Neoplastic Syndromes, Hereditary; Hereditary Cancer Syndrome. Identifiers: Orphanet 140162, MedGen C0027672, MeSH D009386, MONDO:0015356.
EGFR-related lung cancer (EGFR). Identifiers: MedGen CN130014.

Submissions (2):

Ambry Genetics
Classification: Uncertain significance for Hereditary cancer-predisposing syndrome. Last evaluated: 2026-01-05. Review status: criteria provided, single submitter. Criteria: Ambry Variant Classification Scheme 2023. Collection method: clinical testing. Allele origin: germline.
Comment: The p.E685A variant (also known as c.2054A>C), located in coding exon 17 of the EGFR gene, results from an A to C substitution at nucleotide position 2054. The glutamic acid at codon 685 is replaced by alanine, an amino acid with dissimilar properties. This amino acid position is highly conserved in available vertebrate species. In addition, the in silico prediction for this alteration is inconclusive. Based on the available evidence, the clinical significance of this variant remains unclear.

Labcorp Genetics (formerly Invitae), Labcorp
Classification: Uncertain significance for EGFR-related lung cancer. Last evaluated: 2021-07-29. Review status: criteria provided, single submitter. Criteria: Invitae Variant Classification Sherloc (09022015). Collection method: clinical testing. Allele origin: germline.
Comment: Algorithms developed to predict the effect of missense changes on protein structure and function are either unavailable or do not agree on the potential impact of this missense change (SIFT: "Tolerated"; PolyPhen-2: "Probably Damaging"; Align-GVGD: "Class C0"). This sequence change replaces glutamic acid with alanine at codon 685 of the EGFR protein (p.Glu685Ala). The glutamic acid residue is moderately conserved and there is a moderate physicochemical difference between glutamic acid and alanine. This variant is not present in population databases (ExAC no frequency). This variant has not been reported in the literature in individuals affected with EGFR-related conditions. In summary, the available evidence is currently insufficient to determine the role of this variant in disease. Therefore, it has been classified as a Variant of Uncertain Significance.

NM_005228.5(EGFR):c.2054A>C (p.Glu685Ala)

Gene: EGFR (epidermal growth factor receptor; plus strand). Cytogenetic location: 7p11.2.
Variant type: single nucleotide variant.
Coding change: c.2054A>C on transcript NM_005228.5 (MANE Select); coding-DNA position 2054, A replaced by C.
Protein change: p.Glu685Ala; replaces glutamic acid 685 with alanine.
Molecular consequence: missense variant.
Genome position (GRCh38, 1-based): chr7:55,173,117, A>C. VCF-style: chr7-55173117-A-C. GRCh37 (hg19) VCF-style: chr7-55240810-A-C.
Other names: c.1919A>C, p.Glu640Ala (NM_001346897.2, NM_001346899.2); c.2054A>C, p.Glu685Ala (NM_001346898.2); c.1895A>C, p.Glu632Ala (NM_001346900.2); c.1253A>C, p.Glu418Ala (NM_001346941.2); c.2054A>C (NM_005228.3); short protein forms E685A, E418A, E632A, E640A.
Identifiers: ClinVar variation 1370840 (VCV001370840.7), dbSNP rs2128952702, ClinGen allele CA367583275.